The following is an entry in ClinVar:

ClinVar aggregate classification (germline): Pathogenic (1 of 4 stars; one submission).

Conditions:
Acromesomelic dysplasia 1, Maroteaux type (AMD1). Also called: ST. HELENA DYSPLASIA; ACROMESOMELIC DYSPLASIA 1. Identifiers: Orphanet 40, MedGen C1864356, MONDO:0011275, OMIM 602875.
Tall stature-scoliosis-macrodactyly of the great toes syndrome. Also called: Epiphyseal chondrodysplasia, miura type. Identifiers: Orphanet 329191, MedGen C4014690, MONDO:0014401, OMIM 615923.

Allele frequency attached by ClinVar (database versions not stated): gnomAD exomes below 0.00001; TOPMed below 0.00001.
gnomAD v4.1: 1 of 1,614,194 alleles (0.000062%); highest among the groups gnomAD compares: Admixed American, 0.0017%; no homozygotes.

Submission:

Labcorp Genetics (formerly Invitae), Labcorp
Classification: Pathogenic for Tall stature-scoliosis-macrodactyly of the great toes syndrome; Acromesomelic dysplasia 1, Maroteaux type. Last evaluated: 2025-10-06. Review status: criteria provided, single submitter. Criteria: Invitae Variant Classification Sherloc (09022015). Collection method: clinical testing. Allele origin: germline.
Comment: This sequence change creates a premature translational stop signal (p.Trp419*) in the NPR2 gene. It is expected to result in an absent or disrupted protein product. Loss-of-function variants in NPR2 are known to be pathogenic (PMID: 15146390, 15572448, 16384845). This variant is present in population databases (no rsID available, gnomAD 0.003%). This variant has not been reported in the literature in individuals affected with NPR2-related conditions. ClinVar contains an entry for this variant (Variation ID: 2194018). For these reasons, this variant has been classified as Pathogenic.

Literature cited by the submitters: PubMed 15146390; PubMed 15572448; PubMed 16384845.

NM_003995.4(NPR2):c.1257G>A (p.Trp419Ter)

Gene: NPR2 (natriuretic peptide receptor 2; plus strand). Cytogenetic location: 9p13.3.
Variant type: single nucleotide variant.
Coding change: c.1257G>A on transcript NM_003995.4 (MANE Select); coding-DNA position 1257, G replaced by A.
Protein change: p.Trp419Ter; replaces tryptophan 419 with a stop codon.
Molecular consequence: nonsense.
Genome position (GRCh38, 1-based): chr9:35,800,747, G>A. VCF-style: chr9-35800747-G-A. GRCh37 (hg19) VCF-style: chr9-35800744-G-A.
Other names: c.1257G>A, p.Trp419Ter (NM_001378923.1); short protein forms W419*.
Identifiers: ClinVar variation 2194018 (VCV002194018.4), dbSNP rs1282365060, ClinGen allele CA373371026.